The following is an entry in ClinVar:

ClinVar aggregate classification (germline): Pathogenic (1 of 4 stars; one submission).

Submission:

Labcorp Genetics (formerly Invitae), Labcorp
Classification: Pathogenic. Last evaluated: 2021-08-05. Review status: criteria provided, single submitter. Criteria: Invitae Variant Classification Sherloc (09022015). Collection method: clinical testing. Allele origin: germline.
Comment: This sequence change creates a premature translational stop signal (p.Leu13Cysfs*2) in the ADGRG1 gene. It is expected to result in an absent or disrupted protein product. Loss-of-function variants in ADGRG1 are known to be pathogenic (PMID: 15044805, 20929962). This variant is not present in population databases (ExAC no frequency). This variant has not been reported in the literature in individuals affected with ADGRG1-related conditions. For these reasons, this variant has been classified as Pathogenic.

Literature cited by the submitters: PubMed 15044805; PubMed 20929962.

NM_201525.4(ADGRG1):c.37del (p.Leu13fs)

Gene: ADGRG1 (adhesion G protein-coupled receptor G1; plus strand). Cytogenetic location: 16q21.
Variant type: Deletion.
Coding change: c.37del on transcript NM_201525.4 (MANE Select); coding-DNA position 37, one base deleted (C; older notation c.37delC).
Protein change: p.Leu13fs; shifts the reading frame from leucine 13.
Molecular consequence: frameshift variant. On other transcripts: 5 prime UTR variant (4), intron variant (1).
Genome position (GRCh38, 1-based): chr16:57,650,324, C deleted; the last of 2 consecutive C bases (chr16:57,650,323-57,650,324); deleting either gives the same sequence. VCF-style (leftmost placement, unchanged base first): chr16-57650322-TC-T. GRCh37 (hg19) VCF-style: chr16-57684234-TC-T.
Other names: c.37del, p.Leu13fs (NM_001145770.3, NM_001145771.3, NM_001145772.3 and 20 more transcripts); c.-446del (NM_001290143.2, NM_001290144.2, NM_001370451.1); c.-530del (NM_001370453.1); c.-414-923del (NM_001370454.1); short protein forms L13fs.
Identifiers: ClinVar variation 1403351 (VCV001403351.6), dbSNP rs2148183874, ClinGen allele CA2573152458.